The following is an entry in ClinVar:

ClinVar aggregate classification (germline): Pathogenic (1 of 4 stars; one submission).

Conditions:
Smith-Lemli-Opitz syndrome (SLOS). Also called: 7-Dehydrocholesterol reductase deficiency; LETHAL ACRODYSGENITAL SYNDROME; POLYDACTYLY, SEX REVERSAL, RENAL HYPOPLASIA, AND UNILOBAR LUNG; RSH SYNDROME; RUTLEDGE LETHAL MULTIPLE CONGENITAL ANOMALY SYNDROME. Identifiers: Orphanet 818, MedGen C0175694, MONDO:0010035, OMIM 270400.

Submission:

Labcorp Genetics (formerly Invitae), Labcorp
Classification: Pathogenic for Smith-Lemli-Opitz syndrome. Last evaluated: 2022-08-13. Review status: criteria provided, single submitter. Criteria: Invitae Variant Classification Sherloc (09022015). Collection method: clinical testing. Allele origin: germline.
Comment: For these reasons, this variant has been classified as Pathogenic. This variant disrupts a region of the DHCR7 protein in which other variant(s) (p.Cys380Arg) have been determined to be pathogenic (PMID: 15896653, 17441222, 31395954). This suggests that this is a clinically significant region of the protein, and that variants that disrupt it are likely to be disease-causing. Variants that disrupt the consensus splice site are a relatively common cause of aberrant splicing (PMID: 17576681, 9536098). This variant has not been reported in the literature in individuals affected with DHCR7-related conditions. This variant results in the deletion of exons 4-8 and part of exon 9 (c.99-38_1175del) of the DHCR7 gene. While this variant is not anticipated to result in nonsense mediated decay, it likely alters RNA splicing and results in a disrupted protein product.

Literature cited by the submitters: PubMed 15896653; PubMed 17441222; PubMed 31395954; PubMed 17576681; PubMed 9536098.

NC_000011.9:g.(?_71146674)_(71155299_?)del

Gene: DHCR7 (7-dehydrocholesterol reductase; minus strand). Cytogenetic location: 11q13.4.
Variant type: Deletion.
Identifiers: ClinVar variation 2424133 (VCV002424133.4).